The following is an entry in ClinVar:

ClinVar aggregate classification (germline): Uncertain significance. Review status: criteria provided, single submitter (1 of 4 stars). 2 submissions from 2 submitters: Uncertain significance (1). 1 of the submissions does not count toward it. Last evaluated 2023-07-06.

Conditions:
Ornithine carbamoyltransferase deficiency (OTCD). Also called: ORNITHINE TRANSCARBAMYLASE DEFICIENCY; ORNITHINE TRANSCARBAMYLASE DEFICIENCY, HYPERAMMONEMIA DUE TO; OTC DEFICIENCY; Ornithine Carbamoyltransferase Deficiency Disease. Identifiers: Orphanet 664, MedGen C0268542, MONDO:0010703, OMIM 311250.

Submissions (2):

Labcorp Genetics (formerly Invitae), Labcorp
Classification: Uncertain significance for Ornithine carbamoyltransferase deficiency. Last evaluated: 2023-07-06. Review status: criteria provided, single submitter. Criteria: Invitae Variant Classification Sherloc (09022015). Collection method: clinical testing. Allele origin: germline.
Comment: In summary, the available evidence is currently insufficient to determine the role of this variant in disease. Therefore, it has been classified as a Variant of Uncertain Significance. Studies have shown that this variant alters OTC gene expression (PMID: 29282796). ClinVar contains an entry for this variant (Variation ID: 487343). This variant has been observed in individual(s) with clinical features of OTC deficiency (PMID: 29282796; Invitae). The frequency data for this variant in the population databases is considered unreliable, as metrics indicate insufficient coverage at this position in the gnomAD database. This variant occurs in a non-coding region of the OTC gene. It does not change the encoded amino acid sequence of the OTC protein.

Caldovic Lab, Children's National Health System
Classification: Likely pathogenic for Ornithine carbamoyltransferase deficiency. Last evaluated: 2017-12-12. Review status: no assertion criteria provided. Collection method: research. Allele origin: unknown, not applicable. Inheritance: X-linked recessive inheritance. Affected: yes. Not counted in ClinVar's aggregate classification.
Comment: Functional testing in cultured cells indicates reduced expression of reporter gene.

Literature cited by the submitters: PubMed 29282796 (cited by Labcorp Genetics (formerly Invitae), Labcorp and Caldovic Lab, Children's National Health System).

NC_000023.11:g.38352581C>T

Gene: OTC (ornithine transcarbamylase; plus strand). Cytogenetic location: Xp11.4.
Variant type: single nucleotide variant.
Genome position: GRCh38 VCF-style: chrX-38352581-C-T. GRCh37 (hg19) VCF-style: chrX-38211834-C-T.
Identifiers: ClinVar variation 487343 (VCV000487343.6), dbSNP rs1555971006, ClinGen allele CA658799700.